The following is an entry in ClinVar:

ClinVar aggregate classification (germline): Uncertain significance. Review status: criteria provided, multiple submitters, no conflicts (2 of 4 stars). 3 submissions from 3 submitters: Uncertain significance (3). Last evaluated 2025-10-01.

Conditions:
Cardiovascular phenotype. Identifiers: MedGen CN230736.

Allele frequency attached by ClinVar (database versions not stated): TOPMed below 0.00001; gnomAD 0.00001; gnomAD exomes 0.00001 and 0.00002.
gnomAD v4.1: 31 of 1,612,060 alleles (0.0019%); highest among the groups gnomAD compares: Non-Finnish European, 0.0025%; no homozygotes.

Submissions (3):

Ambry Genetics
Classification: Uncertain significance for Cardiovascular phenotype. Last evaluated: 2025-10-01. Review status: criteria provided, single submitter. Criteria: Ambry Variant Classification Scheme 2023. Collection method: clinical testing. Allele origin: germline.

Labcorp Genetics (formerly Invitae), Labcorp
Classification: Uncertain significance. Last evaluated: 2025-06-29. Review status: criteria provided, single submitter. Criteria: Invitae Variant Classification Sherloc (09022015). Collection method: clinical testing. Allele origin: germline.
Comment: This sequence change replaces alanine, which is neutral and non-polar, with glycine, which is neutral and non-polar, at codon 1256 of the ALPK3 protein (p.Ala1256Gly). This variant is present in population databases (no rsID available, gnomAD 0.002%). This variant has not been reported in the literature in individuals affected with ALPK3-related conditions. ClinVar contains an entry for this variant (Variation ID: 1361467). Invitae Evidence Modeling of protein sequence and biophysical properties (such as structural, functional, and spatial information, amino acid conservation, physicochemical variation, residue mobility, and thermodynamic stability) indicates that this missense variant is expected to disrupt ALPK3 protein function with a positive predictive value of 80%. In summary, the available evidence is currently insufficient to determine the role of this variant in disease. Therefore, it has been classified as a Variant of Uncertain Significance.

GeneDx
Classification: Uncertain significance. Last evaluated: 2023-11-14. Review status: criteria provided, single submitter. Criteria: GeneDx Variant Classification Process June 2021. Collection method: clinical testing. Allele origin: germline. Affected: yes.
Comment: Not observed at significant frequency in large population cohorts (gnomAD); In silico analysis supports that this missense variant does not alter protein structure/function; Has not been previously published as pathogenic or benign to our knowledge

NM_020778.5(ALPK3):c.3161C>G (p.Ala1054Gly)

Gene: ALPK3 (alpha kinase 3; plus strand). Cytogenetic location: 15q25.3.
Variant type: single nucleotide variant.
Coding change: c.3161C>G on transcript NM_020778.5 (MANE Select); coding-DNA position 3161, C replaced by G.
Protein change: p.Ala1054Gly; replaces alanine 1054 with glycine.
Molecular consequence: missense variant.
Genome position (GRCh38, 1-based): chr15:84,857,899, C>G. VCF-style: chr15-84857899-C-G. GRCh37 (hg19) VCF-style: chr15-85401130-C-G.
Other names: short protein forms A1054G.
Identifiers: ClinVar variation 1361467 (VCV001361467.12), dbSNP rs1209594795, ClinGen allele CA393359722.